The following is an entry in ClinVar:

ClinVar aggregate classification (germline): Pathogenic (1 of 4 stars; one submission).

Conditions:
Hereditary breast ovarian cancer syndrome. Also called: Hereditary breast and/or ovarian cancer syndrome; Hereditary breast and ovarian cancer syndrome (HBOC); Breast and ovarian cancer; Hereditary breast and ovarian cancer; BRCA1- and BRCA2-Associated Hereditary Breast and Ovarian Cancer; Hereditary breast and ovarian cancer syndrome. Identifiers: Orphanet 145, MedGen C0677776, MeSH D061325, MONDO:0003582. Disease mechanism: loss of function.

Submission:

Labcorp Genetics (formerly Invitae), Labcorp
Classification: Pathogenic for Hereditary breast ovarian cancer syndrome. Last evaluated: 2022-07-06. Review status: criteria provided, single submitter. Criteria: Invitae Variant Classification Sherloc (09022015). Collection method: clinical testing. Allele origin: germline.
Comment: For these reasons, this variant has been classified as Pathogenic. The region of the BRCA1 gene that includes exon(s) 20-21 has been determined to be clinically significant (PMID: 17561994, 20516115, 21203900, 22843421, 25066186, 25066507). Therefore, deletions that encompass that region are likely to be disease-causing. A similar copy number variant has been observed in individual(s) with breast cancer (PMID: 26681312). This variant is a gross deletion of the genomic region encompassing exon(s) 12-21 of the BRCA1 gene. This variant would be expected to be in-frame, preserving the integrity of the reading frame.

Literature cited by the submitters: PubMed 17561994; PubMed 20516115; PubMed 21203900; PubMed 22843421; PubMed 25066186; PubMed 25066507; PubMed 26681312.

NC_000017.11:g.(?_43049101)_(43082595_?)del

Gene: BRCA1 (BRCA1 DNA repair associated; minus strand). Cytogenetic location: 17q21.31.
Variant type: Deletion.
Identifiers: ClinVar variation 830417 (VCV000830417.3).